The following is an entry in ClinVar:

ClinVar aggregate classification (germline): Conflicting classifications of pathogenicity. Review status: criteria provided, conflicting classifications (1 of 4 stars). 5 submissions from 5 submitters: Uncertain significance (2); Likely benign (3). Last evaluated 2026-01-12.

Conditions:
Melnick-Needles syndrome (MNS). Also called: Melnick-Needles Syndrome (FLNA-MNS); MELNICK-NEEDLES OSTEODYSPLASTY; OSTEODYSPLASTY OF MELNICK AND NEEDLES. Identifiers: Orphanet 2484, MedGen C0025237, MONDO:0010650, OMIM 309350.
Frontometaphyseal dysplasia (FMD1). Identifiers: Orphanet 1826, MedGen C0265293, MONDO:0015942.
Heterotopia, periventricular, X-linked dominant (PVNH1). Also called: X-linked periventricular heterotopia; PERIVENTRICULAR NODULAR HETEROTOPIA 4; HETEROTOPIA, PERIVENTRICULAR, 1; PERIVENTRICULAR NODULAR HETEROTOPIA 1. Identifiers: Orphanet 2149, Orphanet 82004, MedGen C1848213, MONDO:0010233, OMIM 300049.
Oto-palato-digital syndrome, type II (OPD2). Also called: Otopalatodigital Syndrome Type 2 (FLNA-OPD2); FACIOPALATOOSSEOUS SYNDROME; Otopalatodigital Syndrome, Type II; OPD II SYNDROME. Identifiers: Orphanet 669, Orphanet 90652, MedGen C1844696, MONDO:0010571, OMIM 304120.
Intestinal pseudoobstruction, neuronal, chronic idiopathic, X-linked (CIIPX). Also called: FLNA-Related Periventricular Nodular Heterotopia (FLNA-Related PVNH; Huttenlocher Syndrome); CONGENITAL IDIOPATHIC INTESTINAL PSEUDOOBSTRUCTION; INTESTINAL PSEUDOOBSTRUCTION, NEURONAL, CHRONIC IDIOPATHIC, WITH CENTRAL NERVOUS SYSTEM INVOLVEMENT. Identifiers: Orphanet 2301, MedGen C2746068, MONDO:0010232, OMIM 300048.
FG syndrome 2 (FGS2). Identifiers: MedGen C1845902, MONDO:0010297, OMIM 300321.
Terminal osseous dysplasia-pigmentary defects syndrome. Also called: ODPD; TERMINAL OSSEOUS DYSPLASIA AND PIGMENTARY DEFECTS; Terminal Osseous Dysplasia (FLNA-TOD); ODPF SYNDROME; OSSEOUS DYSPLASIA, DIGITAL, WITH FACIAL PIGMENTARY DEFECTS AND MULTIPLE FRENULA. Identifiers: Orphanet 88630, MedGen C1846129, MONDO:0010279, OMIM 300244.
Frontometaphyseal dysplasia 1 (FMD1). Also called: Frontometaphyseal Dysplasia (FLNA-FMD). Identifiers: Orphanet 1826, MedGen C4281559, MONDO:0024550, OMIM 305620.
Oto-palato-digital syndrome, type I (OPD1). Also called: Taybi syndrome; Otopalatodigital Syndrome Type 1 (FLNA-OPD1); Otopalatodigital Syndrome, Type I; OPD I SYNDROME; OPD SYNDROME 1. Identifiers: Orphanet 669, Orphanet 90650, MedGen C0265251, MONDO:0010704, OMIM 311300.
Cardiac valvular dysplasia, X-linked (CVDPX). Also called: FLNA-Related X-linked Cardiac Valvular Dysplasia; Isolated X-Linked Cardiac Valvular Dysplasia; Congenital valvular dysplasia; MYXOMATOUS VALVULAR DYSTROPHY, X-LINKED; VALVULAR HEART DISEASE, CONGENITAL. Identifiers: Orphanet 1864, Orphanet 555877, Orphanet 75497, MedGen C0262436, MONDO:0010753, OMIM 314400.
Familial thoracic aortic aneurysm and aortic dissection (TAAD). Also called: Thoracic aortic aneurysms and dissections. Identifiers: Orphanet 91387, MedGen C4707243, MONDO:0019625.

Allele frequency attached by ClinVar (database versions not stated): gnomAD exomes below 0.00001 and 0.00002; gnomAD 0.00001; ExAC 0.00002; TOPMed 0.00002.
gnomAD v4.1: 10 of 1,209,525 alleles (0.00083%); highest among the groups gnomAD compares: East Asian, 0.003%; no homozygotes.

Submissions (5):

Labcorp Genetics (formerly Invitae), Labcorp
Classification: Likely benign for Oto-palato-digital syndrome, type II; Heterotopia, periventricular, X-linked dominant; Frontometaphyseal dysplasia; Melnick-Needles syndrome. Last evaluated: 2026-01-12. Review status: criteria provided, single submitter. Criteria: Invitae Variant Classification Sherloc (09022015). Collection method: clinical testing. Allele origin: germline.

Ambry Genetics
Classification: Likely benign for Familial thoracic aortic aneurysm and aortic dissection. Last evaluated: 2024-10-16. Review status: criteria provided, single submitter. Criteria: Ambry Variant Classification Scheme 2023. Collection method: clinical testing. Allele origin: germline.

Blueprint Genetics
Classification: Likely benign. Last evaluated: 2024-06-08. Review status: criteria provided, single submitter. Criteria: ACMG Guidelines, 2015. Collection method: clinical testing. Allele origin: germline.

Fulgent Genetics
Classification: Uncertain significance for Intestinal pseudoobstruction, neuronal, chronic idiopathic, X-linked; Heterotopia, periventricular, X-linked dominant; Terminal osseous dysplasia-pigmentary defects syndrome; FG syndrome 2; Oto-palato-digital syndrome, type II; Frontometaphyseal dysplasia 1; Melnick-Needles syndrome; Oto-palato-digital syndrome, type I; Cardiac valvular dysplasia, X-linked. Last evaluated: 2021-09-22. Review status: criteria provided, single submitter. Criteria: ACMG Guidelines, 2015. Collection method: clinical testing. Allele origin: unknown.

GeneDx
Classification: Uncertain significance. Last evaluated: 2021-02-16. Review status: criteria provided, single submitter. Criteria: GeneDx Variant Classification Process June 2021. Collection method: clinical testing. Allele origin: germline. Affected: yes.
Comment: Has not been previously published as pathogenic or benign to our knowledge; Observed in 3/180189 (0.0017%) alleles in large population cohorts, and has been observed in the hemizygous state in multiple unrelated adult individuals tested at GeneDx and in large population cohorts (Lek et al., 2016); In silico analysis supports that this missense variant does not alter protein structure/function

NM_001110556.2(FLNA):c.1270A>G (p.Met424Val)

Gene: FLNA (filamin A; minus strand). Cytogenetic location: Xq28.
Variant type: single nucleotide variant.
Coding change: c.1270A>G on transcript NM_001110556.2 (MANE Select); coding-DNA position 1270, A replaced by G.
Protein change: p.Met424Val; replaces methionine 424 with valine.
Molecular consequence: missense variant.
Genome position (GRCh38, 1-based): chrX:154,366,183, T>C on the plus strand (A>G on the coding strand, the complement: FLNA is on the minus strand). VCF-style: chrX-154366183-T-C. GRCh37 (hg19) VCF-style: chrX-153594551-T-C.
Other names: c.1270A>G, p.Met424Val (NM_001456.4); short protein forms M424V.
Identifiers: ClinVar variation 588806 (VCV000588806.17), dbSNP rs782066542, ClinGen allele CA10561214.